The following is an entry in ClinVar:

NM_001164508.2(NEB):c.22375-1G>A

Genes: NEB (nebulin; minus strand), RIF1 (replication timing regulatory factor 1; plus strand). Cytogenetic location: 2q23.3.
Variant type: single nucleotide variant.
Coding change: c.22375-1G>A on transcript NM_001164508.2 (MANE Select); the canonical splice acceptor site of the intron before coding-DNA position 22375, G replaced by A.
Molecular consequence: splice acceptor variant.
Genome position (GRCh38, 1-based): chr2:151,524,416, C>T on the plus strand (G>A on the coding strand, the complement: NEB is on the minus strand). VCF-style: chr2-151524416-C-T. GRCh37 (hg19) VCF-style: chr2-152380930-C-T.
Other names: c.22480-1G>A (NM_001271208.1, NM_001271208.2); c.17272-1G>A (NM_004543.5); c.22375-1G>A (NM_001164507.2).
Identifiers: ClinVar variation 1482794 (VCV001482794.12), dbSNP rs949331605, ClinGen allele CA348764911.
Genomic context (GRCh38, chr2:151,524,416, plus strand): 5'-GCGACCGAGCATGCTTAAGCCATGGCTGCCTTCCTTGCGGTGCTTGGCTCTGTACTCCAC[C>T]TGAATCAGAGAAAACCAAAATGGGCAACAGGTGATGGTTGCCTGGCATGCCTTGGCAATG-3'

ClinVar aggregate classification (germline): Likely pathogenic. Review status: criteria provided, multiple submitters, no conflicts (2 of 4 stars). 4 submissions from 4 submitters: Likely pathogenic (4). Last evaluated 2025-03-03.

Conditions:
Arthrogryposis multiplex congenita 6. Identifiers: MedGen C5543431, MONDO:0030281, OMIM 619334.
Nemaline myopathy 2 (NEM2). Also called: Nemaline myopathy 2, autosomal recessive. Identifiers: MedGen C1850569, MONDO:0009725, OMIM 256030.
Nemaline myopathy. Also called: Myopathies, Nemaline. Identifiers: Orphanet 607, MedGen C0206157, MONDO:0018958.

Allele frequency attached by ClinVar (database versions not stated): gnomAD exomes below 0.00001; TOPMed below 0.00001; gnomAD 0.00001.
gnomAD v4.1: 11 of 1,613,870 alleles (0.00068%); highest among the groups gnomAD compares: Admixed American, 0.0017%; no homozygotes.

Submissions (4):

Broad Center for Mendelian Genomics, Broad Institute of MIT and Harvard
Classification: Likely pathogenic for Nemaline myopathy. Last evaluated: 2025-03-03. Review status: criteria provided, single submitter. Criteria: ACMG Guidelines, 2015. Collection method: curation. Allele origin: germline. Inheritance: Autosomal recessive inheritance.
Comment: The c.22375-1G>A variant in NEB has not been previously reported in the literature in individuals with nemaline myopathy, but has been identified in 0.002% (1/60006) of Latino/Admixed American by the Genome Aggregation Database (gnomAD; dbSNP ID: rs949331605). Although this variant has been seen in the general population in a heterozygous state, its frequency is low enough to be consistent with a recessive carrier frequency. This variant has also been reported in ClinVar (Variation ID: 1482794) and has been interpreted as likely pathogenic by Invitae. This variant is located in the 5' splice region. SpliceAI predictions indicate use of an out-of-frame cryptic splice site 2 bases from the intron-exon boundary, providing evidence that this variant may cause a frameshift and lead to a premature termination codon downstream. This alteration is then predicted to lead to a truncated or absent protein. However, this information is not predictive enough to determine pathogenicity. Loss of function of the NEB gene is an established disease mechanism in autosomal recessive nemaline myopathy. In summary, although additional studies are required to fully establish its clinical significance, this variant is likely pathogenic for autosomal recessive nemaline myopathy. ACMG/AMP Criteria applied: PVS1, PM2_supporting (Richards 2015).

Fulgent Genetics
Classification: Likely pathogenic for Nemaline myopathy 2; Arthrogryposis multiplex congenita 6. Last evaluated: 2024-03-20. Review status: criteria provided, single submitter. Criteria: ACMG Guidelines, 2015. Collection method: clinical testing. Allele origin: germline.

Labcorp Genetics (formerly Invitae), Labcorp
Classification: Likely pathogenic for Nemaline myopathy 2. Last evaluated: 2024-01-16. Review status: criteria provided, single submitter. Criteria: Invitae Variant Classification Sherloc (09022015). Collection method: clinical testing. Allele origin: germline.
Comment: This sequence change affects an acceptor splice site in intron 153 of the NEB gene. It is expected to disrupt RNA splicing. Variants that disrupt the donor or acceptor splice site typically lead to a loss of protein function (PMID: 16199547), and loss-of-function variants in NEB are known to be pathogenic (PMID: 25205138). This variant is present in population databases (no rsID available, gnomAD 0.0009%). This variant has not been reported in the literature in individuals affected with NEB-related conditions. ClinVar contains an entry for this variant (Variation ID: 1482794). Algorithms developed to predict the effect of sequence changes on RNA splicing suggest that this variant may disrupt the consensus splice site. In summary, the currently available evidence indicates that the variant is pathogenic, but additional data are needed to prove that conclusively. Therefore, this variant has been classified as Likely Pathogenic.

Baylor Genetics
Classification: Likely pathogenic for Arthrogryposis multiplex congenita 6. Last evaluated: 2023-11-22. Review status: criteria provided, single submitter. Criteria: ACMG Guidelines, 2015. Collection method: clinical testing. Allele origin: unknown.

Literature cited by the submitters: PubMed 16199547 (cited by Labcorp Genetics (formerly Invitae), Labcorp); PubMed 25205138 (cited by Labcorp Genetics (formerly Invitae), Labcorp).